The following is an entry in ClinVar:

NM_138387.4(G6PC3):c.575dup (p.Met192fs)

Gene: G6PC3 (glucose-6-phosphatase catalytic subunit 3; plus strand). Cytogenetic location: 17q21.31.
Variant type: Duplication.
Coding change: c.575dup on transcript NM_138387.4 (MANE Select); coding-DNA position 575, one base duplicated (T; older notation c.575dupT).
Protein change: p.Met192fs; shifts the reading frame from methionine 192.
Molecular consequence: frameshift variant.
Genome position (GRCh38, 1-based): chr17:44,075,349, T duplicated. VCF-style (leftmost placement, unchanged base first): chr17-44075348-A-AT. GRCh37 (hg19) VCF-style: chr17-42152716-A-AT.
Other names: c.456dup, p.Gly153fs (NM_001319945.2); c.230dup, p.Met77fs (NM_001384165.1, NM_001384166.1, NM_001384167.1 and 1 more transcripts); short protein forms G153fs, M77fs, M192fs.
Identifiers: ClinVar variation 2838564 (VCV002838564.3), dbSNP rs2509369429, ClinGen allele CA2739267567.
Genomic context (GRCh38, chr17:44,075,348, plus strand): 5'-TGTTGTCACTCCACTCTCCTAGGCGCTGTCCTGGGCTGGCTGATGACTCCCCGAGTGCCT[A>AT]TGGAGCGGGAGCTAAGCTTCTATGGGTTGACTGCACTGGCCCTCATGCTAGGCACCAGCC-3'

ClinVar aggregate classification (germline): Pathogenic (1 of 4 stars; one submission).

Conditions:
Autosomal recessive severe congenital neutropenia due to G6PC3 deficiency. Also called: NEUTROPENIA, SEVERE CONGENITAL, 4, AUTOSOMAL RECESSIVE; G6PC3 Deficiency. Identifiers: Orphanet 331176, MedGen C2751630, MONDO:0012930, OMIM 612541.

Submission:

Labcorp Genetics (formerly Invitae), Labcorp
Classification: Pathogenic for Autosomal recessive severe congenital neutropenia due to G6PC3 deficiency. Last evaluated: 2023-02-17. Review status: criteria provided, single submitter. Criteria: Invitae Variant Classification Sherloc (09022015). Collection method: clinical testing. Allele origin: germline.
Comment: This sequence change creates a premature translational stop signal (p.Met192Ilefs*45) in the G6PC3 gene. While this is not anticipated to result in nonsense mediated decay, it is expected to disrupt the last 155 amino acid(s) of the G6PC3 protein. This variant is not present in population databases (gnomAD no frequency). This variant has not been reported in the literature in individuals affected with G6PC3-related conditions. This variant disrupts a region of the G6PC3 protein in which other variant(s) (p.Gly260Arg) have been determined to be pathogenic (PMID: 19118303, 20616219, 23180359, 23441086, 25492228). This suggests that this is a clinically significant region of the protein, and that variants that disrupt it are likely to be disease-causing. For these reasons, this variant has been classified as Pathogenic.

Literature cited by the submitters: PubMed 19118303; PubMed 20616219; PubMed 23180359; PubMed 23441086; PubMed 25492228.